The following is an entry in ClinVar:

ClinVar aggregate classification (germline): Uncertain significance (1 of 4 stars; one submission).

Submission:

Labcorp Genetics (formerly Invitae), Labcorp
Classification: Uncertain significance. Last evaluated: 2025-02-15. Review status: criteria provided, single submitter. Criteria: Invitae Variant Classification Sherloc (09022015). Collection method: clinical testing. Allele origin: germline.
Comment: This sequence change replaces asparagine, which is neutral and polar, with lysine, which is basic and polar, at codon 885 of the COL11A2 protein (p.Asn885Lys). This variant is not present in population databases (gnomAD no frequency). This variant has not been reported in the literature in individuals affected with COL11A2-related conditions. Invitae Evidence Modeling of protein sequence and biophysical properties (such as structural, functional, and spatial information, amino acid conservation, physicochemical variation, residue mobility, and thermodynamic stability) indicates that this missense variant is not expected to disrupt COL11A2 protein function with a negative predictive value of 95%. In summary, the available evidence is currently insufficient to determine the role of this variant in disease. Therefore, it has been classified as a Variant of Uncertain Significance.

NM_080680.3(COL11A2):c.2655C>A (p.Asn885Lys)

Gene: COL11A2 (collagen type XI alpha 2 chain; minus strand). Cytogenetic location: 6p21.32.
Variant type: single nucleotide variant.
Coding change: c.2655C>A on transcript NM_080680.3 (MANE Select); coding-DNA position 2655, C replaced by A.
Protein change: p.Asn885Lys; replaces asparagine 885 with lysine.
Molecular consequence: missense variant.
Genome position (GRCh38, 1-based): chr6:33,173,529, G>T on the plus strand (C>A on the coding strand, the complement: COL11A2 is on the minus strand). VCF-style: chr6-33173529-G-T. GRCh37 (hg19) VCF-style: chr6-33141306-G-T.
Other names: c.2475C>A, p.Asn825Lys (NM_001424108.1); c.1809C>A, p.Asn603Lys (NM_001424109.1); c.1629C>A, p.Asn543Lys (NM_001424110.1, NM_001424111.1); c.609C>A, p.Asn203Lys (NM_001424112.1); c.2334C>A, p.Asn778Lys (NM_080679.3); c.2397C>A, p.Asn799Lys (NM_080681.3); short protein forms N203K, N543K, N603K, N778K, N799K, N825K, N885K.
Identifiers: ClinVar variation 4801318 (VCV004801318.1).